The following is an entry in ClinVar:

NM_172201.2(KCNE2):c.354G>A (p.Gly118=)

Genes: KCNE2 (potassium voltage-gated channel subfamily E regulatory subunit 2; plus strand), LOC105372791 (uncharacterized LOC105372791; minus strand). Cytogenetic location: 21q22.11.
Variant type: single nucleotide variant.
Coding change: c.354G>A on transcript NM_172201.2 (MANE Select); coding-DNA position 354, G replaced by A.
Protein change: p.Gly118=; no amino-acid change (glycine 118 retained).
Molecular consequence: synonymous variant.
Genome position (GRCh38, 1-based): chr21:34,370,832, G>A. VCF-style: chr21-34370832-G-A. GRCh37 (hg19) VCF-style: chr21-35743131-G-A.
Other names: p.G118G:GGG>GGA.
Identifiers: ClinVar variation 190792 (VCV000190792.27), dbSNP rs187917779, ClinGen allele CA301978.

ClinVar aggregate classification (germline): Conflicting classifications of pathogenicity. Review status: criteria provided, conflicting classifications (1 of 4 stars). 9 submissions from 8 submitters: Uncertain significance (1); Benign (3); Likely benign (3). 2 of the submissions do not count toward it. Last evaluated 2025-12-27.

Conditions:
Cardiovascular phenotype. Identifiers: MedGen CN230736.
Atrial fibrillation, familial, 4 (ATFB4). Identifiers: MedGen C1862394, MONDO:0012677, OMIM 611493.
Long QT syndrome 6 (LQT6). Identifiers: Orphanet 101016, Orphanet 768, MedGen C3150953, MONDO:0013370, OMIM 613693.

Allele frequency attached by ClinVar (database versions not stated): gnomAD exomes 0.00007 and 0.00026; gnomAD 0.00019; TOPMed 0.00024; ExAC 0.00026; 1000 Genomes Project 30x 0.00047; 1000 Genomes Project 0.00060.

Submissions (9):

Labcorp Genetics (formerly Invitae), Labcorp
Classification: Benign for Long QT syndrome 6. Last evaluated: 2025-12-27. Review status: criteria provided, single submitter. Criteria: Invitae Variant Classification Sherloc (09022015). Collection method: clinical testing. Allele origin: germline.

Blueprint Genetics
Classification: Likely benign. Last evaluated: 2024-11-18. Review status: criteria provided, single submitter. Criteria: ACMG Guidelines, 2015. Collection method: clinical testing. Allele origin: germline.

Illumina Laboratory Services, Illumina
Classification: Likely benign for Long QT syndrome 6. Last evaluated: 2018-01-12. Review status: criteria provided, single submitter. Criteria: ICSL Variant Classification Criteria 13 December 2019. Collection method: clinical testing. Allele origin: germline.
Comment: This variant was observed in the ICSL laboratory as part of a predisposition screen in an ostensibly healthy population. It had not been previously curated by ICSL or reported in the Human Gene Mutation Database (HGMD: prior to June 1st, 2018), and was therefore a candidate for classification through an automated scoring system. Utilizing variant allele frequency, disease prevalence and penetrance estimates, and inheritance mode, an automated score was calculated to assess if this variant is too frequent to cause the disease. Based on the score and internal cut-off values, a variant classified as likely benign is not then subjected to further curation. The score for this variant resulted in a classification of likely benign for this disease.

Illumina Laboratory Services, Illumina
Classification: Uncertain significance for Atrial fibrillation, familial, 4. Last evaluated: 2018-01-12. Review status: criteria provided, single submitter. Criteria: ICSL Variant Classification Criteria 13 December 2019. Collection method: clinical testing. Allele origin: germline.

Women's Health and Genetics/Laboratory Corporation of America, LabCorp
Classification: Benign. Last evaluated: 2017-05-22. Review status: criteria provided, single submitter. Criteria: LabCorp Variant Classification Summary - May 2015. Collection method: clinical testing. Allele origin: germline.
Comment: Variant summary: The KCNE2 c.354G>A (p.Gly118Gly) variant involves the alteration of a non-conserved nucleotide, resulting in a synonymous change. One in silico tool predicts a benign outcome for this variant. 5/5 splice prediction tools predict no significant impact on normal splicing. However, these predictions have yet to be confirmed by functional studies. This variant was found in 31/120540 control chromosomes, predominantly observed in the East Asian subpopulation at a frequency of 0.003587 (31/8642). This frequency is about 51 times the estimated maximal expected allele frequency of a pathogenic KCNE2 variant (0.00007), suggesting this is likely a benign polymorphism found primarily in the populations of East Asian origin. In addition, multiple clinical diagnostic laboratories/reputable databases classified this variant as benign/likely benign. The variant of interest has not, to our knowledge, been reported in affected individuals via publications; nor evaluated for functional impact by in vivo/vitro studies. Taken together, this variant is classified as benign.

Ambry Genetics
Classification: Likely benign for Cardiovascular phenotype. Last evaluated: 2015-06-09. Review status: criteria provided, single submitter. Criteria: Ambry Variant Classification Scheme 2023. Collection method: clinical testing. Allele origin: germline.

GeneDx
Classification: Benign. Last evaluated: 2014-08-29. Review status: criteria provided, single submitter. Criteria: GeneDx Variant Classification (06012015). Collection method: clinical testing. Allele origin: germline. Affected: yes.
Comment: This variant is considered likely benign or benign based on one or more of the following criteria: it is a conservative change, it occurs at a poorly conserved position in the protein, it is predicted to be benign by multiple in silico algorithms, and/or has population frequency not consistent with disease.

Clinical Genetics, Academic Medical Center
Classification: Benign. Review status: no assertion criteria provided. Collection method: clinical testing. Allele origin: germline. Affected: yes. Study: VKGL Data-share Consensus. Not counted in ClinVar's aggregate classification.

Joint Genome Diagnostic Labs from Nijmegen and Maastricht, Radboudumc and MUMC+
Classification: Likely benign. Review status: no assertion criteria provided. Collection method: clinical testing. Allele origin: germline. Affected: yes. Study: VKGL Data-share Consensus. Not counted in ClinVar's aggregate classification.